The following is an entry in ClinVar:

ClinVar aggregate classification (germline): Uncertain significance. Review status: criteria provided, multiple submitters, no conflicts (2 of 4 stars). 2 submissions from 2 submitters: Uncertain significance (2). Last evaluated 2025-06-12.

Conditions:
Inborn genetic diseases. Identifiers: MedGen C0950123, MeSH D030342.

Allele frequency attached by ClinVar (database versions not stated): TOPMed 0.00001; gnomAD 0.00001.

Submissions (2):

Labcorp Genetics (formerly Invitae), Labcorp
Classification: Uncertain significance. Last evaluated: 2025-06-12. Review status: criteria provided, single submitter. Criteria: Invitae Variant Classification Sherloc (09022015). Collection method: clinical testing. Allele origin: germline.
Comment: This sequence change replaces histidine, which is basic and polar, with leucine, which is neutral and non-polar, at codon 346 of the SOX18 protein (p.His346Leu). This variant is not present in population databases (gnomAD no frequency). This variant has not been reported in the literature in individuals affected with SOX18-related conditions. ClinVar contains an entry for this variant (Variation ID: 2795521). An algorithm developed to predict the effect of missense changes on protein structure and function (PolyPhen-2) suggests that this variant is likely to be disruptive. In summary, the available evidence is currently insufficient to determine the role of this variant in disease. Therefore, it has been classified as a Variant of Uncertain Significance.

Ambry Genetics
Classification: Uncertain significance for Inborn genetic diseases. Last evaluated: 2025-05-16. Review status: criteria provided, single submitter. Criteria: Ambry Variant Classification Scheme 2023. Collection method: clinical testing. Allele origin: germline.

NM_018419.3(SOX18):c.1037A>T (p.His346Leu)

Gene: SOX18 (SRY-box transcription factor 18; minus strand). Cytogenetic location: 20q13.33.
Variant type: single nucleotide variant.
Coding change: c.1037A>T on transcript NM_018419.3 (MANE Select); coding-DNA position 1037, A replaced by T.
Protein change: p.His346Leu; replaces histidine 346 with leucine.
Molecular consequence: missense variant.
Genome position (GRCh38, 1-based): chr20:64,048,284, T>A on the plus strand (A>T on the coding strand, the complement: SOX18 is on the minus strand). VCF-style: chr20-64048284-T-A. GRCh37 (hg19) VCF-style: chr20-62679637-T-A.
Other names: c.1037A>T (NM_018419.2); short protein forms H346L.
Identifiers: ClinVar variation 2795521 (VCV002795521.4), dbSNP rs1388405101, ClinGen allele CA409751522.
Genomic context (GRCh38, chr20:64,048,284, plus strand): 5'-ATCAGGCTGCTCTCCTCTGGGCAGGACATGGCGCGCGGGCCCAGTTTGGCCAGTGCCACG[T>A]GGTACGGGAGCCCGGGGGCGTCGGGCCGAGTCCGGCTGCAGTTGAGGTACTGGTCGAACT-3'
Protein context (NP_060889.1, residues 336-356): TRPDAPGLPY[His346Leu]VALAKLGPRA